The following is an entry in ClinVar:

ClinVar aggregate classification (germline): Benign. Review status: criteria provided, multiple submitters, no conflicts (2 of 4 stars). 2 submissions from 2 submitters: Benign (2). Last evaluated 2018-06-18.

Allele frequency attached by ClinVar (database versions not stated): gnomAD exomes 0.00587; gnomAD 0.05908 and 0.06408; 1000 Genomes Project 0.06090; ESP Exome Variant Server 0.06483; TOPMed 0.06628; 1000 Genomes Project 30x 0.06730.
gnomAD v4.1: 17,667 of 1,570,066 alleles (1.1%); highest among the groups gnomAD compares: African/African-American, 21%; 1,686 homozygotes.

Submissions (2):

GeneDx
Classification: Benign. Last evaluated: 2018-06-18. Review status: criteria provided, single submitter. Criteria: GeneDx Variant Classification (06012015). Collection method: clinical testing. Allele origin: germline. Affected: yes.
Comment: This variant is considered likely benign or benign based on one or more of the following criteria: it is a conservative change, it occurs at a poorly conserved position in the protein, it is predicted to be benign by multiple in silico algorithms, and/or has population frequency not consistent with disease.

Breakthrough Genomics
Classification: Benign. Review status: criteria provided, single submitter. Criteria: ACMG Guidelines, 2015. Collection method: not provided. Allele origin: germline. Inheritance: Autosomal recessive inheritance. Affected: yes.

NM_213599.3(ANO5):c.40+64G>T

Gene: ANO5 (anoctamin 5; plus strand). Cytogenetic location: 11p14.3.
Variant type: single nucleotide variant.
Coding change: c.40+64G>T on transcript NM_213599.3 (MANE Select); 64 bases into the intron after coding-DNA position 40, G replaced by T.
Molecular consequence: intron variant.
Genome position (GRCh38, 1-based): chr11:22,193,596, G>T. VCF-style: chr11-22193596-G-T. GRCh37 (hg19) VCF-style: chr11-22215142-G-T.
Other names: c.40+64G>T (NM_001142649.2).
Identifiers: ClinVar variation 677470 (VCV000677470.2), dbSNP rs112145196, ClinGen allele CA218756029.
Genomic context (GRCh38, chr11:22,193,596, plus strand): 5'-GGACCGCGCCAAGAGGCGTCAAGGGAGAGCCAGGCTGGCTGCCTGCACCCCTCCACCCGC[G>T]GCGCAGAGGCCCCGGGGGACGTTGGCGGCCCTGCGGCCTGAGTCCTAGGGAGGTTCGCTG-3'